The following is an entry in ClinVar:

NM_017950.4(CCDC40):c.1645G>A (p.Glu549Lys)

Gene: CCDC40 (coiled-coil domain 40 molecular ruler complex subunit; plus strand). Cytogenetic location: 17q25.3.
Variant type: single nucleotide variant.
Coding change: c.1645G>A on transcript NM_017950.4 (MANE Select); coding-DNA position 1645, G replaced by A.
Protein change: p.Glu549Lys; replaces glutamic acid 549 with lysine.
Molecular consequence: missense variant.
Genome position (GRCh38, 1-based): chr17:80,081,628, G>A. VCF-style: chr17-80081628-G-A. GRCh37 (hg19) VCF-style: chr17-78055427-G-A.
Other names: c.1645G>A, p.Glu549Lys (NM_001243342.2); short protein forms E549K.
Identifiers: ClinVar variation 569773 (VCV000569773.11), dbSNP rs1414723148, ClinGen allele CA401336633.

ClinVar aggregate classification (germline): Uncertain significance. Review status: criteria provided, multiple submitters, no conflicts (2 of 4 stars). 3 submissions from 3 submitters: Uncertain significance (3). Last evaluated 2024-07-08.

Conditions:
Primary ciliary dyskinesia. Also called: Ciliary dyskinesia. Identifiers: Orphanet 244, MedGen C0008780, MONDO:0016575, HP:0012265.
Primary ciliary dyskinesia 15. Also called: CILIARY DYSKINESIA, PRIMARY, 15, WITH OR WITHOUT SITUS INVERSUS. Identifiers: Orphanet 244, MedGen C3151137, MONDO:0013435, OMIM 613808.

Allele frequency attached by ClinVar (database versions not stated): gnomAD 0.00001; gnomAD exomes 0.00001 and 0.00002.
gnomAD v4.1: 14 of 1,614,014 alleles (0.00087%); highest among the groups gnomAD compares: East Asian, 0.0045%; no homozygotes.

Submissions (3):

ARUP Laboratories, Molecular Genetics and Genomics, ARUP Laboratories
Classification: Uncertain significance for Primary ciliary dyskinesia 15. Last evaluated: 2024-07-08. Review status: criteria provided, single submitter. Criteria: ARUP Molecular Germline Variant Investigation Process 2024. Collection method: clinical testing. Allele origin: germline.
Comment: The CCDC40 c.1645G>A; p.Glu549Lys variant (rs1414723148), to our knowledge, is not reported in the medical literature but is reported in ClinVar (Variation ID: 569773). This variant is found in the general population with an overall allele frequency of 0.002% (4/249,330 alleles) in the Genome Aggregation Database (v2.1.1). Computational analyses are uncertain whether this variant is neutral or deleterious (REVEL: 0.38). Due to limited information, the clinical significance of this variant is uncertain at this time.

Labcorp Genetics (formerly Invitae), Labcorp
Classification: Uncertain significance for Primary ciliary dyskinesia. Last evaluated: 2018-05-10. Review status: criteria provided, single submitter. Criteria: Invitae Variant Classification Sherloc (09022015). Collection method: clinical testing. Allele origin: germline.
Comment: In summary, the available evidence is currently insufficient to determine the role of this variant in disease. Therefore, it has been classified as a Variant of Uncertain Significance. Algorithms developed to predict the effect of missense changes on protein structure and function do not agree on the potential impact of this missense change (SIFT: "Tolerated"; PolyPhen-2: "Probably Damaging"; Align-GVGD: "Class C0"). This variant has not been reported in the literature in individuals with CCDC40-related disease. This variant is not present in population databases (ExAC no frequency). This sequence change replaces glutamic acid with lysine at codon 549 of the CCDC40 protein (p.Glu549Lys). The glutamic acid residue is moderately conserved and there is a small physicochemical difference between glutamic acid and lysine.

Ambry Genetics
Classification: Uncertain significance for Primary ciliary dyskinesia. Last evaluated: 2017-08-07. Review status: criteria provided, single submitter. Criteria: Ambry Variant Classification Scheme 2023. Collection method: clinical testing. Allele origin: germline.
Comment: The p.E549K variant (also known as c.1645G>A), located in coding exon 11 of the CCDC40 gene, results from a G to A substitution at nucleotide position 1645. The glutamic acid at codon 549 is replaced by lysine, an amino acid with similar properties. This amino acid position is highly conserved in available vertebrate species. In addition, the in silico prediction for this alteration is inconclusive. Since supporting evidence is limited at this time, the clinical significance of this alteration remains unclear.